The following is an entry in ClinVar:

NM_016507.4(CDK12):c.1942A>G (p.Thr648Ala)

Gene: CDK12 (cyclin dependent kinase 12; plus strand). Cytogenetic location: 17q12.
Variant type: single nucleotide variant.
Coding change: c.1942A>G on transcript NM_016507.4 (MANE Select); coding-DNA position 1942, A replaced by G.
Protein change: p.Thr648Ala; replaces threonine 648 with alanine.
Molecular consequence: missense variant.
Genome position (GRCh38, 1-based): chr17:39,490,567, A>G. VCF-style: chr17-39490567-A-G. GRCh37 (hg19) VCF-style: chr17-37646820-A-G.
Other names: c.1942A>G, p.Thr648Ala (NM_015083.4); short protein forms T648A.
Identifiers: ClinVar variation 4651468 (VCV004651468.1).

ClinVar aggregate classification (germline): Uncertain significance (1 of 4 stars; one submission).

gnomAD v4.1: 1 of 1,607,616 alleles (0.000062%); highest among the groups gnomAD compares: Middle Eastern, 0.017%; no homozygotes.

Submission:

Ambry Genetics
Classification: Uncertain significance. Last evaluated: 2025-11-26. Review status: criteria provided, single submitter. Criteria: Ambry Variant Classification Scheme 2023. Collection method: clinical testing. Allele origin: germline.
Comment: The p.T648A variant (also known as c.1942A>G), located in coding exon 3 of the CDK12 gene, results from an A to G substitution at nucleotide position 1942. The threonine at codon 648 is replaced by alanine, an amino acid with similar properties. This amino acid position is conserved. In addition, this alteration is predicted to be tolerated by in silico analysis. Based on the available evidence, the clinical significance of this variant remains unclear.